The following is an entry in ClinVar:

NM_001927.4(DES):c.1130T>C (p.Leu377Pro)

Gene: DES (desmin; plus strand). Cytogenetic location: 2q35.
Variant type: single nucleotide variant.
Coding change: c.1130T>C on transcript NM_001927.4 (MANE Select); coding-DNA position 1130, T replaced by C.
Protein change: p.Leu377Pro; replaces leucine 377 with proline.
Molecular consequence: missense variant. On other transcripts: intron variant (1).
Genome position (GRCh38, 1-based): chr2:219,421,446, T>C. VCF-style: chr2-219421446-T-C. GRCh37 (hg19) VCF-style: chr2-220286168-T-C.
Other names: c.1127T>C, p.Leu376Pro (NM_001382708.1); c.1061T>C, p.Leu354Pro (NM_001382710.1); c.1109T>C, p.Leu370Pro (NM_001382711.1); c.1130T>C, p.Leu377Pro (NM_001382712.1); c.860T>C, p.Leu287Pro (NM_001382713.1); c.736-38T>C (NM_001382709.1); short protein forms L287P, L376P, L354P, L370P, L377P.
Identifiers: ClinVar variation 1471108 (VCV001471108.9), dbSNP rs1432061016, ClinGen allele CA350694440.

ClinVar aggregate classification (germline): Likely pathogenic. Review status: criteria provided, multiple submitters, no conflicts (2 of 4 stars). 2 submissions from 2 submitters: Likely pathogenic (2). Last evaluated 2022-06-19.

Conditions:
Desmin-related myofibrillar myopathy (MFM1). Also called: Desminopathy; Desmin related myopathy (former name); Desmin storage myopathy (former name); DESMIN-RELATED MYOPATHY WITH ARRHYTHMOGENIC RIGHT VENTRICULAR CARDIOMYOPATHY; MYOFIBRILLAR MYOPATHY WITH ARRHYTHMOGENIC RIGHT VENTRICULAR CARDIOMYOPATHY; Myofibrillar myopathy 1. Identifiers: Orphanet 363543, Orphanet 98909, MedGen C1832370, MONDO:0011076, OMIM 601419.
Neurogenic scapuloperoneal syndrome, Kaeser type (SCPNK). Also called: KAESER SYNDROME. Identifiers: Orphanet 85146, MedGen C1867005, MONDO:0008407, OMIM 181400.
Dilated cardiomyopathy 1I (CMD1I). Identifiers: Orphanet 154, MedGen C1858154, MONDO:0011482, OMIM 604765.

Allele frequency attached by ClinVar (database versions not stated): gnomAD exomes below 0.00001.
gnomAD v4.1: 1 of 1,614,078 alleles (0.000062%); no homozygotes.

Submissions (2):

Labcorp Genetics (formerly Invitae), Labcorp
Classification: Likely pathogenic for Desmin-related myofibrillar myopathy. Last evaluated: 2022-06-19. Review status: criteria provided, single submitter. Criteria: Invitae Variant Classification Sherloc (09022015). Collection method: clinical testing. Allele origin: germline.
Comment: This sequence change replaces leucine, which is neutral and non-polar, with proline, which is neutral and non-polar, at codon 377 of the DES protein (p.Leu377Pro). In summary, the currently available evidence indicates that the variant is pathogenic, but additional data are needed to prove that conclusively. Therefore, this variant has been classified as Likely Pathogenic. Advanced modeling of protein sequence and biophysical properties (such as structural, functional, and spatial information, amino acid conservation, physicochemical variation, residue mobility, and thermodynamic stability) performed at Invitae indicates that this missense variant is expected to disrupt DES protein function. This missense change has been observed in individuals with clinical features of autosomal dominant DES-related conditions (PMID: 18504128; Invitae). This variant is present in population databases (no rsID available, gnomAD 0.01%).

Kariminejad - Najmabadi Pathology & Genetics Center
Classification: Likely pathogenic for Dilated cardiomyopathy 1I; Desmin-related myofibrillar myopathy; Neurogenic scapuloperoneal syndrome, Kaeser type. Last evaluated: 2021-09-14. Review status: criteria provided, single submitter. Criteria: ACMG Guidelines, 2015. Collection method: clinical testing. Allele origin: germline. Inheritance: Autosomal dominant inheritance. Affected: yes.
Comment: PM1, PM2, PS4_Moderate, PP2?, PP3

Literature cited by the submitters: PubMed 18504128 (cited by Labcorp Genetics (formerly Invitae), Labcorp).